The following is an entry in ClinVar:

NM_001492.6(GDF1):c.401C>G (p.Ser134Trp)

Genes: CERS1 (ceramide synthase 1; minus strand), GDF1 (growth differentiation factor 1; minus strand). Cytogenetic location: 19p13.11.
Variant type: single nucleotide variant.
Coding change: c.401C>G on transcript NM_001492.6 (MANE Select); coding-DNA position 401, C replaced by G.
Protein change: p.Ser134Trp; replaces serine 134 with tryptophan.
Molecular consequence: missense variant. On other transcripts: 3 prime UTR variant (2).
Genome position (GRCh38, 1-based): chr19:18,869,315, G>C on the plus strand (C>G on the coding strand, the complement: GDF1 is on the minus strand). VCF-style: chr19-18869315-G-C. GRCh37 (hg19) VCF-style: chr19-18980124-G-C.
Other names: c.*1262C>G (NM_001387440.1); c.*670C>G (NM_021267.5); c.401C>G, p.Ser134Trp (NM_001387438.1); short protein forms S134W.
Identifiers: ClinVar variation 418231 (VCV000418231.2), dbSNP rs1064793136, ClinGen allele CA16620817.

ClinVar aggregate classification (germline): Likely pathogenic (1 of 4 stars; one submission).

Allele frequency attached by ClinVar (database versions not stated): TOPMed 0.00002.
gnomAD v4.1: 49 of 1,521,738 alleles (0.0032%); highest among the groups gnomAD compares: Non-Finnish European, 0.004%; no homozygotes.

Submission:

GeneDx
Classification: Likely pathogenic. Last evaluated: 2013-03-08. Review status: criteria provided, single submitter. Criteria: GeneDx Variant Classification (06012015). Collection method: clinical testing. Allele origin: germline. Affected: yes.
Comment: The Ser134Trp variant in the GDF1 gene has not been reported as a pathogenic variant or as a benign polymorphism to our knowledge. Ser134Trp results in a non-conservative amino acid substitution of a polar Serine with a large, non-polar Tryptophan at a position that is well conserved across species. In silico analysis predicts Ser134Trp is damaging to the protein structure/function. However, data from control individuals were not available to assess whether Ser134Trp may be a common benign variant in the general population. Furthermore, nearby mutations have not been reported (Stenson P et al., 2009) indicating this region of the GDF1 protein may tolerate change. With the clinical and molecular information available at this time, we cannot definitively determine if Ser134Trp is a pathogenic variant or a rare benign variant.